The following is an entry in ClinVar:

NM_182961.4(SYNE1):c.10191C>A (p.Gly3397=)

Gene: SYNE1 (spectrin repeat containing nuclear envelope protein 1; minus strand). Cytogenetic location: 6q25.2.
Variant type: single nucleotide variant.
Coding change: c.10191C>A on transcript NM_182961.4 (MANE Select); coding-DNA position 10191, C replaced by A.
Protein change: p.Gly3397=; no amino-acid change (glycine 3397 retained).
Molecular consequence: synonymous variant.
Genome position (GRCh38, 1-based): chr6:152,362,278, G>T on the plus strand (C>A on the coding strand, the complement: SYNE1 is on the minus strand). VCF-style: chr6-152362278-G-T. GRCh37 (hg19) VCF-style: chr6-152683413-G-T.
Other names: p.Gly3404=; c.10212C>A, p.Gly3404= (NM_033071.5).
Identifiers: ClinVar variation 130388 (VCV000130388.31), dbSNP rs4407724, ClinGen allele CA155316.

ClinVar aggregate classification (germline): Benign. Review status: criteria provided, multiple submitters, no conflicts (2 of 4 stars). 16 submissions from 13 submitters: Benign (11). 5 of the submissions do not count toward it. Last evaluated 2026-02-03.

Conditions:
Arthrogryposis multiplex congenita 3, myogenic type. Also called: ARTHROGRYPOSIS MULTIPLEX CONGENITA, MYOGENIC TYPE. Identifiers: MedGen C5193121, MONDO:0032778, OMIM 618484.
Emery-Dreifuss muscular dystrophy 4, autosomal dominant (EDMD4). Also called: EMERY-DREIFUSS MUSCULAR DYSTROPHY 4 WITH VARIABLE FEATURES. Identifiers: Orphanet 261, MedGen C2751807, MONDO:0013071, OMIM 612998.
Autosomal recessive ataxia, Beauce type. Also called: SYNE1 Deficiency; Spinocerebellar ataxia, autosomal recessive 8; ATAXIA, RECESSIVE, OF BEAUCE; SYNE1-Related Autosomal Recessive Cerebellar Ataxia. Identifiers: Orphanet 88644, MedGen C1853116, MONDO:0012549, OMIM 610743.

Allele frequency attached by ClinVar (database versions not stated): ESP Exome Variant Server 0.64809; gnomAD 0.64816; TOPMed 0.65181; ExAC 0.65412; 1000 Genomes Project 30x 0.65849; 1000 Genomes Project 0.65915; gnomAD exomes 0.65944 and 0.67604.
gnomAD v4.1: 1,086,614 of 1,613,830 alleles (67%); highest among the groups gnomAD compares: East Asian, 82%; 367,546 homozygotes.

Submissions (16):

Labcorp Genetics (formerly Invitae), Labcorp
Classification: Benign for Emery-Dreifuss muscular dystrophy 4, autosomal dominant; Autosomal recessive ataxia, Beauce type. Last evaluated: 2026-02-03. Review status: criteria provided, single submitter. Criteria: Invitae Variant Classification Sherloc (09022015). Collection method: clinical testing. Allele origin: germline.

Blueprint Genetics
Classification: Benign. Last evaluated: 2024-11-27. Review status: criteria provided, single submitter. Criteria: ACMG Guidelines, 2015. Collection method: clinical testing. Allele origin: germline.

Genome-Nilou Lab
Classification: Benign for Arthrogryposis multiplex congenita 3, myogenic type. Last evaluated: 2021-07-15. Review status: criteria provided, single submitter. Criteria: ACMG Guidelines, 2015. Collection method: clinical testing. Allele origin: germline. Affected: no.

Genome-Nilou Lab
Classification: Benign for Emery-Dreifuss muscular dystrophy 4, autosomal dominant. Last evaluated: 2021-07-15. Review status: criteria provided, single submitter. Criteria: ACMG Guidelines, 2015. Collection method: clinical testing. Allele origin: germline. Affected: no.

Genome-Nilou Lab
Classification: Benign for Autosomal recessive ataxia, Beauce type. Last evaluated: 2021-07-15. Review status: criteria provided, single submitter. Criteria: ACMG Guidelines, 2015. Collection method: clinical testing. Allele origin: germline. Affected: no.

Athena Diagnostics
Classification: Benign. Last evaluated: 2018-11-02. Review status: criteria provided, single submitter. Criteria: Athena Diagnostics Criteria. Collection method: clinical testing. Allele origin: germline.

Illumina Laboratory Services, Illumina
Classification: Benign for Emery-Dreifuss muscular dystrophy 4, autosomal dominant. Last evaluated: 2018-01-13. Review status: criteria provided, single submitter. Criteria: ICSL Variant Classification Criteria 13 December 2019. Collection method: clinical testing. Allele origin: germline.
Comment: This variant was observed in the ICSL laboratory as part of a predisposition screen in an ostensibly healthy population. It had not been previously curated by ICSL or reported in the Human Gene Mutation Database (HGMD: prior to June 1st, 2018), and was therefore a candidate for classification through an automated scoring system. Utilizing variant allele frequency, disease prevalence and penetrance estimates, and inheritance mode, an automated score was calculated to assess if this variant is too frequent to cause the disease. Based on the score and internal cut-off values, a variant classified as benign is not then subjected to further curation. The score for this variant resulted in a classification of benign for this disease.

Illumina Laboratory Services, Illumina
Classification: Benign for Autosomal recessive ataxia, Beauce type. Last evaluated: 2018-01-13. Review status: criteria provided, single submitter. Criteria: ICSL Variant Classification Criteria 13 December 2019. Collection method: clinical testing. Allele origin: germline.
Comment: the same text as in the submission from Illumina Laboratory Services, Illumina above.

Mayo Clinic Laboratories, Mayo Clinic
Classification: Benign. Last evaluated: 2017-07-24. Review status: criteria provided, single submitter. Criteria: ACMG Guidelines, 2015. Collection method: clinical testing. Allele origin: germline. Observed: 1,011 variant alleles.

GeneDx
Classification: Benign. Last evaluated: 2016-01-25. Review status: criteria provided, single submitter. Criteria: GeneDx Variant Classification (06012015). Collection method: clinical testing. Allele origin: germline. Affected: yes.
Comment: This variant is considered likely benign or benign based on one or more of the following criteria: it is a conservative change, it occurs at a poorly conserved position in the protein, it is predicted to be benign by multiple in silico algorithms, and/or has population frequency not consistent with disease.

PreventionGenetics, part of Exact Sciences
Classification: Benign. Review status: criteria provided, single submitter. Criteria: ACMG Guidelines, 2015. Collection method: clinical testing. Allele origin: germline.

Clinical Genetics DNA and cytogenetics Diagnostics Lab, Erasmus MC, Erasmus Medical Center
Classification: Benign. Review status: no assertion criteria provided. Collection method: clinical testing. Allele origin: germline. Affected: yes. Study: VKGL Data-share Consensus. Not counted in ClinVar's aggregate classification.

Clinical Genetics, Academic Medical Center
Classification: Benign. Review status: no assertion criteria provided. Collection method: clinical testing. Allele origin: germline. Affected: yes. Study: VKGL Data-share Consensus. Not counted in ClinVar's aggregate classification.

Diagnostic Laboratory, Department of Genetics, University Medical Center Groningen
Classification: Benign. Review status: no assertion criteria provided. Collection method: clinical testing. Allele origin: germline. Affected: yes. Study: VKGL Data-share Consensus. Not counted in ClinVar's aggregate classification.

Genetic Services Laboratory, University of Chicago
Classification: Likely benign for AllHighlyPenetrant. Review status: no assertion criteria provided. Collection method: clinical testing. Allele origin: germline. Inheritance: Autosomal dominant inheritance. Not counted in ClinVar's aggregate classification.
Comment: Likely benign based on allele frequency in 1000 Genomes Project or ESP global frequency and its presence in a patient with a rare or unrelated disease phenotype. NOT Sanger confirmed.

Joint Genome Diagnostic Labs from Nijmegen and Maastricht, Radboudumc and MUMC+
Classification: Benign. Review status: no assertion criteria provided. Collection method: clinical testing. Allele origin: germline. Affected: yes. Study: VKGL Data-share Consensus. Not counted in ClinVar's aggregate classification.